The following is an entry in ClinVar:

NM_003242.6(TGFBR2):c.631G>A (p.Glu211Lys)

Gene: TGFBR2 (transforming growth factor beta receptor 2; plus strand). Cytogenetic location: 3p24.1.
Variant type: single nucleotide variant.
Coding change: c.631G>A on transcript NM_003242.6 (MANE Select); coding-DNA position 631, G replaced by A.
Protein change: p.Glu211Lys; replaces glutamic acid 211 with lysine.
Molecular consequence: missense variant.
Genome position (GRCh38, 1-based): chr3:30,671,814, G>A. VCF-style: chr3-30671814-G-A. GRCh37 (hg19) VCF-style: chr3-30713306-G-A.
Other names: c.706G>A, p.Glu236Lys (NM_001024847.3); c.814G>A, p.Glu272Lys (NM_001407126.1); c.739G>A, p.Glu247Lys (NM_001407127.1); c.658G>A, p.Glu220Lys (NM_001407128.1); c.634G>A, p.Glu212Lys (NM_001407129.1); c.631G>A, p.Glu211Lys (NM_001407130.1); c.526G>A, p.Glu176Lys (NM_001407132.1, NM_001407133.1, NM_001407134.1 and 2 more transcripts); c.346G>A, p.Glu116Lys (NM_001407137.1); and 1 more; short protein forms E211K, E236K, E91K, E116K, E176K, E247K, E272K, E212K.
Identifiers: ClinVar variation 1306373 (VCV001306373.3), dbSNP rs2125433766, ClinGen allele CA351807521.

ClinVar aggregate classification (germline): Uncertain significance (1 of 4 stars; one submission).

Allele frequency attached by ClinVar (database versions not stated): gnomAD exomes 0.00001.
gnomAD v4.1: 5 of 1,614,170 alleles (0.00031%); highest among the groups gnomAD compares: Non-Finnish European, 0.00034%; no homozygotes.

Submission:

GeneDx
Classification: Uncertain significance. Last evaluated: 2019-06-21. Review status: criteria provided, single submitter. Criteria: GeneDx Variant Classification Process June 2021. Collection method: clinical testing. Allele origin: germline. Affected: yes.
Comment: Not observed in large population cohorts (Lek et al., 2016); In silico analysis, which includes protein predictors and evolutionary conservation, supports that this variant does not alter protein structure/function; Has not been previously published as pathogenic or benign to our knowledge